The following is an entry in ClinVar:

NM_024301.5(FKRP):c.1364C>A (p.Ala455Asp)

Gene: FKRP (fukutin related protein; plus strand). Cytogenetic location: 19q13.32.
Variant type: single nucleotide variant.
Coding change: c.1364C>A on transcript NM_024301.5 (MANE Select); coding-DNA position 1364, C replaced by A.
Protein change: p.Ala455Asp; replaces alanine 455 with aspartic acid.
Molecular consequence: missense variant.
Genome position (GRCh38, 1-based): chr19:46,756,814, C>A. VCF-style: chr19-46756814-C-A. GRCh37 (hg19) VCF-style: chr19-47260071-C-A.
Other names: c.1364C>A, p.Ala455Asp (NM_001039885.3); short protein forms A455D.
Identifiers: ClinVar variation 4226 (VCV000004226.32), dbSNP rs28937903, ClinGen allele CA116710.

ClinVar aggregate classification (germline): Pathogenic. Review status: criteria provided, multiple submitters, no conflicts (2 of 4 stars). 12 submissions from 12 submitters: Pathogenic (9). 3 of the submissions do not count toward it. Last evaluated 2025-09-17.

Conditions:
Walker-Warburg congenital muscular dystrophy. Also called: Muscular dystrophy-dystroglycanopathy, type A; Walker-Warburg syndrome. Identifiers: Orphanet 899, MedGen C0265221, MONDO:0000171.
Muscular dystrophy-dystroglycanopathy type B5 (MDDGB5). Also called: MUSCULAR DYSTROPHY, CONGENITAL, 1C; MUSCULAR DYSTROPHY, CONGENITAL, FKRP-RELATED; MUSCULAR DYSTROPHY-DYSTROGLYCANOPATHY (CONGENITAL WITH OR WITHOUT IMPAIRED INTELLECTUAL DEVELOPMENT), TYPE B, 5. Identifiers: MedGen C1847759, MONDO:0011688, OMIM 606612.
Autosomal recessive limb-girdle muscular dystrophy type 2I. Also called: MUSCULAR DYSTROPHY, LIMB-GIRDLE, TYPE 2I; MUSCULAR DYSTROPHY-DYSTROGLYCANOPATHY (LIMB-GIRDLE), TYPE C, 5; MUSCULAR DYSTROPHY-DYSTROGLYCANOPATHY, LIMB-GIRDLE, FRKP-RELATED. Identifiers: Orphanet 34515, MedGen C1846672, MONDO:0011787, OMIM 607155.
Muscular dystrophy-dystroglycanopathy (congenital with brain and eye anomalies), type A5. Also called: WALKER-WARBURG SYNDROME OR MUSCLE-EYE-BRAIN DISEASE, FKRP-RELATED; MUSCULAR DYSTROPHY-DYSTROGLYCANOPATHY (CONGENITAL WITH BRAIN AND EYE ANOMALIES), TYPE A, 5. Identifiers: Orphanet 588, Orphanet 899, MedGen C3150413, MONDO:0013157, OMIM 613153.

Submissions (12):

Labcorp Genetics (formerly Invitae), Labcorp
Classification: Pathogenic for Walker-Warburg congenital muscular dystrophy. Last evaluated: 2025-09-17. Review status: criteria provided, single submitter. Criteria: Invitae Variant Classification Sherloc (09022015). Collection method: clinical testing. Allele origin: germline.
Comment: This sequence change replaces alanine, which is neutral and non-polar, with aspartic acid, which is acidic and polar, at codon 455 of the FKRP protein (p.Ala455Asp). This variant is not present in population databases (gnomAD no frequency). This missense change has been observed in individuals with congenital muscular dystrophy, limb-girdle muscular dystrophy and muscle-eye brain disease (PMID: 14652796, 16368217, 18671187, 23420653, 23894383). It has also been observed to segregate with disease in related individuals. ClinVar contains an entry for this variant (Variation ID: 4226). Invitae Evidence Modeling of protein sequence and biophysical properties (such as structural, functional, and spatial information, amino acid conservation, physicochemical variation, residue mobility, and thermodynamic stability) indicates that this missense variant is expected to disrupt FKRP protein function with a positive predictive value of 95%. Experimental studies have shown that this missense change affects FKRP function (PMID: 15574464, 19955119). For these reasons, this variant has been classified as Pathogenic.

Natera, Inc.
Classification: Pathogenic for Limb-girdle muscular dystrophy type 2I. Last evaluated: 2025-08-08. Review status: criteria provided, single submitter. Criteria: Natera Variant Classification Schema (03/2026). Collection method: clinical testing. Allele origin: germline.
Comment: The c.1364C>A variant in FKRP is a missense variant predicted to cause substitution of alanine to aspartic acid at amino acid 455. This variant is rare in the general population with a frequency below the threshold expected for the associated phenotype(s). This variant has been observed in one or more individuals affected with the associated recessive disease, as either homozygous or compound heterozygous with a second variant (PMID: 18671187, 34440373, 28454995, 38406381, 14652796). Computational prediction algorithms indicate this variant is likely to affect gene or protein function. Given the available evidence, this variant is classified as Pathogenic.

3billion
Classification: Pathogenic for Muscular dystrophy-dystroglycanopathy (congenital with brain and eye anomalies), type A5. Last evaluated: 2025-07-03. Review status: criteria provided, single submitter. Criteria: ACMG Guidelines, 2015. Collection method: clinical testing. Allele origin: germline. Affected: yes.
Comment: The variant is not observed in the gnomAD v4.1.0 dataset. Predicted Consequence/Location: Missense variant In silico tool predictions suggest damaging effect of the variant on gene or gene product [REVEL: 0.82 (>=0.6, sensitivity 0.68 and specificity 0.92); 3Cnet: 0.98 (> 0.75, sensitivity 0.96 and precision 0.92)]. The same nucleotide change resulting in the same amino acid change has been previously reported as pathogenic/likely pathogenic with strong evidence (ClinVar ID: VCV000004226 /PMID: 14652796 /3billion dataset). Different missense changes at the same codon (p.Ala455Ser, p.Ala455Thr, p.Ala455Val) have been reported as pathogenic/likely pathogenic with strong evidence (ClinVar ID: VCV000501628, VCV000577969, VCV000800947). Therefore, this variant is classified as Pathogenic according to the recommendation of ACMG/AMP guideline.

Genomic Medicine Center of Excellence, King Faisal Specialist Hospital and Research Centre
Classification: Pathogenic for Muscular dystrophy-dystroglycanopathy type B5. Last evaluated: 2024-03-25. Review status: criteria provided, single submitter. Criteria: ACMG Guidelines, 2015. Collection method: research. Allele origin: germline.

Baylor Genetics
Classification: Pathogenic for Muscular dystrophy-dystroglycanopathy (congenital with brain and eye anomalies), type A5. Last evaluated: 2023-02-04. Review status: criteria provided, single submitter. Criteria: ACMG Guidelines, 2015. Collection method: clinical testing. Allele origin: unknown.

Revvity Omics, Revvity
Classification: Pathogenic. Last evaluated: 2022-07-08. Review status: criteria provided, single submitter. Criteria: ACMG Guidelines, 2015. Collection method: clinical testing. Allele origin: germline.

GeneDx
Classification: Pathogenic. Last evaluated: 2020-12-16. Review status: criteria provided, single submitter. Criteria: GeneDx Variant Classification Process June 2021. Collection method: clinical testing. Allele origin: germline. Affected: yes.
Comment: Not observed in large population cohorts (Lek et al., 2016); The majority of missense variants in this gene are considered pathogenic (Stenson et al., 2014); In silico analysis supports that this missense variant has a deleterious effect on protein structure/function; This variant is associated with the following publications: (PMID: 33101984, 31130284, 31268217, 16368217, 28454995, 14652796, 22908982, 23420653, 15574464, 23894383, 18671187, 19955119)

Eurofins Ntd Llc (ga)
Classification: Pathogenic. Last evaluated: 2017-04-28. Review status: criteria provided, single submitter. Criteria: EGL Classification Definitions 2015. Collection method: clinical testing. Allele origin: germline.

Athena Diagnostics
Classification: Pathogenic for Limb-girdle muscular dystrophy-dystroglycanopathy, type C5. Last evaluated: 2015-09-14. Review status: criteria provided, single submitter. Criteria: Athena Diagnostics Criteria. Collection method: clinical testing. Allele origin: germline. Inheritance: Autosomal recessive inheritance.

Biochemical Molecular Genetic Laboratory, King Abdulaziz Medical City
Classification: Pathogenic for Autosomal recessive limb-girdle muscular dystrophy type 2I. Last evaluated: 2019-09-26. Review status: no assertion criteria provided. Collection method: clinical testing. Allele origin: germline. Affected: yes. Not counted in ClinVar's aggregate classification.

Counsyl
Classification: Pathogenic for Autosomal recessive limb-girdle muscular dystrophy type 2I. Last evaluated: 2018-01-03. Review status: no assertion criteria provided. Collection method: clinical testing. Allele origin: unknown. Not counted in ClinVar's aggregate classification.

OMIM
Classification: Pathogenic for MUSCULAR DYSTROPHY-DYSTROGLYCANOPATHY (CONGENITAL WITH IMPAIRED INTELLECTUAL DEVELOPMENT), TYPE B, 5. Last evaluated: 2004-02-01. Review status: no assertion criteria provided. Collection method: literature only. Allele origin: germline. Not counted in ClinVar's aggregate classification.

Literature cited by the submitters: PubMed 14652796 (cited by 6 submitters); PubMed 16368217 (cited by Labcorp Genetics (formerly Invitae), Labcorp and Counsyl); PubMed 18671187 (cited by 3 submitters); PubMed 23420653 (cited by 3 submitters); PubMed 23894383 (cited by 3 submitters); PubMed 15574464 (cited by 3 submitters); PubMed 19955119 (cited by Labcorp Genetics (formerly Invitae), Labcorp and Athena Diagnostics); PubMed 34440373 (cited by Natera, Inc.); PubMed 28454995 (cited by Natera, Inc. and Counsyl); PubMed 38406381 (cited by Natera, Inc.); PubMed 12654965 (cited by OMIM).